The following continues an entry in ClinVar:

NM_000350.3(ABCA4):c.4139C>T (p.Pro1380Leu)

Gene: ABCA4. ClinVar aggregate classification (germline): Pathogenic. Pathogenic (1).

Submissions 10 to 29 of 29:

GeneDx
Classification: Pathogenic. Last evaluated: 2023-06-12. Review status: criteria provided, single submitter. Criteria: GeneDx Variant Classification Process June 2021. Collection method: clinical testing. Allele origin: germline. Affected: yes. Not counted in ClinVar's aggregate classification.
Comment: In silico analysis supports that this missense variant has a deleterious effect on protein structure/function; This variant is associated with the following publications: (PMID: 26766544, 28559085, 29925512, 31429209, 32531858, 33706644, 34315337, 35456422, 33369172, 32037395, 25283059, 15579991, 9973280, 25087612, 11527935, 28341476, 28041643, 19074458, 10396622, 16682602, 30634128, 30204727, 30718709, 11017087, 32467599, 31456290, 32581362, 33375396, 34426522, 31573552, 31589614, 32619608, 27030965, 28947085, 35119454)

Institute of Human Genetics, Univ. Regensburg, Univ. Regensburg
Classification: Pathogenic for Retinal dystrophy. Last evaluated: 2022-01-01. Review status: criteria provided, single submitter. Criteria: ACMG Guidelines, 2015. Collection method: clinical testing. Allele origin: germline. Affected: yes. Not counted in ClinVar's aggregate classification.

Genetics and Genomic Medicine Centre, NeuroGen Healthcare, NeuroGen Healthcare
Classification: Likely pathogenic for Severe early-childhood-onset retinal dystrophy. Last evaluated: 2021-09-25. Review status: criteria provided, single submitter. Criteria: Submitter's publication. Collection method: clinical testing. Allele origin: unknown. Affected: no. Not counted in ClinVar's aggregate classification.

Revvity Omics, Revvity
Classification: Pathogenic. Last evaluated: 2021-06-23. Review status: criteria provided, single submitter. Criteria: ACMG Guidelines, 2015. Collection method: clinical testing. Allele origin: germline. Not counted in ClinVar's aggregate classification.

Institute of Medical Molecular Genetics, University of Zurich
Classification: Likely pathogenic for Severe early-childhood-onset retinal dystrophy. Last evaluated: 2021-01-30. Review status: criteria provided, single submitter. Criteria: ACMG Guidelines, 2015. Collection method: clinical testing. Allele origin: germline. Affected: yes. Not counted in ClinVar's aggregate classification.

Institute of Medical Genetics and Applied Genomics, University Hospital Tübingen
Classification: Pathogenic. Last evaluated: 2020-10-23. Review status: criteria provided, single submitter. Criteria: ACMG Guidelines, 2015. Collection method: clinical testing. Allele origin: germline. Inheritance: Autosomal recessive inheritance. Affected: yes. Not counted in ClinVar's aggregate classification.

Victorian Clinical Genetics Services, Murdoch Childrens Research Institute
Classification: Pathogenic for Cone-rod dystrophy 3. Last evaluated: 2020-05-25. Review status: criteria provided, single submitter. Criteria: ACMG Guidelines, 2015. Collection method: clinical testing. Allele origin: germline. Affected: yes. Not counted in ClinVar's aggregate classification.
Comment: Based on the classification scheme VCGS_Germline_v0.6.1, this variant is classified as Pathogenic. Following criteria are met: 0102 - Loss of function is a known mechanism of disease for this gene. 0108 - This gene is known to be associated with both recessive and dominant disease. 0200 - Variant is predicted to result in a missense amino acid change from proline to leucine (exon 28). 0304 - Variant is present in gnomAD <0.01 for recessive indication (66 heterozygotes, 0 homozygotes) 0501 - Missense variant consistently predicted to be damaging by in-silico tools or highly conserved with a major amino acid change. 0604 - Variant is not located in an established domain, motif or hotspot. 0705 - No comparable variants in relevant codon/region have previous evidence for pathogenicity. 0801 - Strong previous evidence of pathogenicity in unrelated individuals. The variant has been previously described as pathogenic in multiple individuals (PMID: ClinVar, 11726554, 28947085) 1002 - Moderate functional evidence supporting abnormal protein function.

CeGaT Center for Human Genetics Tuebingen
Classification: Pathogenic. Last evaluated: 2019-07-01. Review status: criteria provided, single submitter. Criteria: CeGaT Center For Human Genetics Tuebingen Variant Classification Criteria Version 2. Collection method: clinical testing. Allele origin: germline. Affected: yes. Observed: 1 variant allele. Not counted in ClinVar's aggregate classification.

Illumina Laboratory Services, Illumina
Classification: Pathogenic for ABCA4-Related Disorders. Last evaluated: 2018-08-21. Review status: criteria provided, single submitter. Criteria: ICSL Variant Classification Criteria 09 May 2019. Collection method: clinical testing. Allele origin: germline. Not counted in ClinVar's aggregate classification.
Comment: The ABCA4 c.4139C>T (p.Pro1380Leu) missense variant has been reported in at least ten studies in which it is found in at least 38 individuals with either Stargardt disease (STGD), cone-rod dystrophy or age related macular degeneration including in five individuals in a homozygous state, at least 29 in a compound heterozygous state, and four individuals in a heterozygou state (Shroyer et al. 1999; Lewis et al. 1999; Shroyer et al. 2001; Briggs et al. 2001; Oh et al. 2004; Fingert et al. 2006; Hwang et al. 2009; Cideciyan et al. 2009; ChacÃ³n-Camacho et al. 2013; Duncker et al. 2015). The p.Pro1380Leu variant has been shown to segregate with STGD disease in at least three families (Lewis et al. 1999; Shroyer et al. 2001; Cideciyan et al. 2009). The variant has not been reported in association with retinitis pigmentosa. The p.Pro1380Leu variant was absent from at least 895 controls and is reported at a frequency of 0.001973 in the Ashkenazi Jewish population of the Genome Aggregation Database. In vitro analysis in HEK-293 cells demonstrated that the p.Pro1380Leu variant resulted in reduced expression of the protein and defective ATP binding (Sun et al. 2000). Based on the collective evidence, the p.Pro1380Leu variant is classified as pathogenic for ABCA4-related disorders. This variant was observed by ICSL as part of a predisposition screen in an ostensibly healthy population.

Knight Diagnostic Laboratories, Oregon Health and Sciences University
Classification: Pathogenic for Mandibulofacial dysostosis with mental deficiency. Last evaluated: 2015-07-24. Review status: criteria provided, single submitter. Criteria: ACMG Guidelines, 2015. Collection method: clinical testing. Allele origin: germline. Affected: no. Study: CSER-NextGen. Not counted in ClinVar's aggregate classification.
Comment: This variant has been observed, either as homozygous (Hwang JC et al., 2009) or compound heterozygous (Lewis RA et al., 1999) in individuals who have been diagnosed with Stargardt disease. It co-segregates with disease and was found in trans with the known pathogenic variant, G1961E (Duncker T et al., 2015). In the protein, it is present in the helical transmembrane domain 7 and is close to the nucleotide binding domain-1. Studies in HEK 293 cells showed that, compared with wild-type, the protein yield and ATP-binding capacity of this variant was reduced (Sun H et al., 2000). Finally, multiple computational algorithms predict this variant to be deleterious and its frequency in the population databases (1000 Genomes, Exome Sequencing Project [ESP] and ExAC) is either absent or very low. Therefore, this variant meets our criteria for a Pathogenic classification. We have confirmed this finding in our laboratory using Sanger sequencing.

Eurofins Ntd Llc (ga)
Classification: Pathogenic. Last evaluated: 2013-08-09. Review status: criteria provided, single submitter. Criteria: EGL Classification Definitions 2015. Collection method: clinical testing. Allele origin: germline. Observed: 1 variant allele, 1 heterozygote. Not counted in ClinVar's aggregate classification.

Sharon lab, Hadassah-Hebrew University Medical Center
Classification: Pathogenic for Stargardt disease. Last evaluated: 2019-06-23. Review status: no assertion criteria provided. Collection method: research. Allele origin: inherited. Affected: yes. Not counted in ClinVar's aggregate classification.

Department of Clinical Genetics, Copenhagen University Hospital, Rigshospitalet
Classification: Likely pathogenic for Stargardt disease. Last evaluated: 2018-04-01. Review status: no assertion criteria provided. Collection method: research. Allele origin: unknown. Affected: yes. Study: VeluxRD. Not counted in ClinVar's aggregate classification.

NIHR Bioresource Rare Diseases, University of Cambridge
Classification: Likely pathogenic. Last evaluated: 2015-01-01. Review status: no assertion criteria provided. Collection method: research. Allele origin: unknown. Affected: yes. Observed: 3 variant alleles. Not counted in ClinVar's aggregate classification.

OMIM
Classification: Pathogenic for STARGARDT DISEASE. Last evaluated: 2006-05-01. Review status: no assertion criteria provided. Collection method: literature only. Allele origin: germline. Not counted in ClinVar's aggregate classification.

OMIM
Classification: risk factor for MACULAR DEGENERATION, AGE-RELATED, 2, SUSCEPTIBILITY TO. Last evaluated: 2006-05-01. Review status: no assertion criteria provided. Collection method: literature only. Allele origin: germline. Not counted in ClinVar's aggregate classification.

Clinical Genetics, Academic Medical Center
Classification: Pathogenic. Review status: no assertion criteria provided. Collection method: clinical testing. Allele origin: germline. Affected: yes. Study: VKGL Data-share Consensus. Not counted in ClinVar's aggregate classification.

Joint Genome Diagnostic Labs from Nijmegen and Maastricht, Radboudumc and MUMC+
Classification: Pathogenic. Review status: no assertion criteria provided. Collection method: clinical testing. Allele origin: germline. Affected: yes. Study: VKGL Data-share Consensus. Not counted in ClinVar's aggregate classification.

Ophthalmo-Genetics Lab, Instituto de Oftalmologia Conde de Valenciana
Classification: Pathogenic for Severe early-childhood-onset retinal dystrophy. Review status: no assertion criteria provided. Collection method: research. Allele origin: germline. Inheritance: Autosomal recessive inheritance. Affected: yes. Not counted in ClinVar's aggregate classification.

Retina International
No classification provided. Review status: no classification provided. Collection method: not provided. Allele origin: unknown. Not counted in ClinVar's aggregate classification.

Literature cited by the submitters: PubMed 9973280 (cited by 5 submitters); PubMed 28559085 (cited by 3 submitters); PubMed 11017087 (cited by 3 submitters); PubMed 10396622 (cited by 3 submitters); PubMed 19074458 (cited by 3 submitters); PubMed 18854780 (cited by Variantyx, Inc. and Illumina Laboratory Services, Illumina); PubMed 33375396 (cited by Variantyx, Inc. and Institute of Human Genetics, Univ. Regensburg, Univ. Regensburg); PubMed 36909829 (cited by Ophthalmic Genetics Group, Institute of Molecular and Clinical Ophthalmology Basel); PubMed 15579991 (cited by Institute of Human Genetics, Univ. Regensburg, Univ. Regensburg and Illumina Laboratory Services, Illumina); PubMed 25087612 (cited by Institute of Human Genetics, Univ. Regensburg, Univ. Regensburg).